The following is an entry in ClinVar:

ClinVar aggregate classification (germline): Uncertain significance. Review status: criteria provided, multiple submitters, no conflicts (2 of 4 stars). 2 submissions from 2 submitters: Uncertain significance (2). Last evaluated 2024-04-16.

Allele frequency attached by ClinVar (database versions not stated): ExAC 0.00002; gnomAD 0.00011.

Submissions (2):

Labcorp Genetics (formerly Invitae), Labcorp
Classification: Uncertain significance. Last evaluated: 2024-04-16. Review status: criteria provided, single submitter. Criteria: Invitae Variant Classification Sherloc (09022015). Collection method: clinical testing. Allele origin: germline.
Comment: This sequence change replaces arginine, which is basic and polar, with leucine, which is neutral and non-polar, at codon 806 of the ESPN protein (p.Arg806Leu). This variant also falls at the last nucleotide of exon 12, which is part of the consensus splice site for this exon. This variant is present in population databases (rs147100772, gnomAD 0.02%). This variant has not been reported in the literature in individuals affected with ESPN-related conditions. ClinVar contains an entry for this variant (Variation ID: 1312539). An algorithm developed to predict the effect of missense changes on protein structure and function (PolyPhen-2) suggests that this variant is likely to be disruptive. Variants that disrupt the consensus splice site are a relatively common cause of aberrant splicing (PMID: 17576681, 9536098). Algorithms developed to predict the effect of sequence changes on RNA splicing suggest that this variant may disrupt the consensus splice site. In summary, the available evidence is currently insufficient to determine the role of this variant in disease. Therefore, it has been classified as a Variant of Uncertain Significance.

GeneDx
Classification: Uncertain significance. Last evaluated: 2020-01-16. Review status: criteria provided, single submitter. Criteria: GeneDx Variant Classification Process June 2021. Collection method: clinical testing. Allele origin: germline. Affected: yes.
Comment: In silico analysis, which includes protein predictors and evolutionary conservation, supports a deleterious effect; Has not been previously published as pathogenic or benign to our knowledge

Literature cited by the submitters: PubMed 17576681 (cited by Labcorp Genetics (formerly Invitae), Labcorp); PubMed 9536098 (cited by Labcorp Genetics (formerly Invitae), Labcorp).

NM_031475.3(ESPN):c.2417G>T (p.Arg806Leu)

Gene: ESPN (espin; plus strand). Cytogenetic location: 1p36.31.
Variant type: single nucleotide variant.
Coding change: c.2417G>T on transcript NM_031475.3 (MANE Select); coding-DNA position 2417, G replaced by T.
Protein change: p.Arg806Leu; replaces arginine 806 with leucine.
Molecular consequence: missense variant.
Genome position (GRCh38, 1-based): chr1:6,457,372, G>T. VCF-style: chr1-6457372-G-T. GRCh37 (hg19) VCF-style: chr1-6517432-G-T.
Other names: c.2327G>T, p.Arg776Leu (NM_001367473.1); c.2354G>T, p.Arg785Leu (NM_001367474.1); short protein forms R776L, R785L, R806L.
Identifiers: ClinVar variation 1312539 (VCV001312539.6), dbSNP rs147100772, ClinGen allele CA560498.